The following is an entry in ClinVar:

NM_000718.4(CACNA1B):c.6923G>A (p.Arg2308His)

Gene: CACNA1B (calcium voltage-gated channel subunit alpha1 B; plus strand). Cytogenetic location: 9q34.3.
Variant type: single nucleotide variant.
Coding change: c.6923G>A on transcript NM_000718.4 (MANE Select); coding-DNA position 6923, G replaced by A.
Protein change: p.Arg2308His; replaces arginine 2308 with histidine.
Molecular consequence: missense variant. On other transcripts: 3 prime UTR variant (1).
Genome position (GRCh38, 1-based): chr9:138,121,902, G>A. VCF-style: chr9-138121902-G-A. GRCh37 (hg19) VCF-style: chr9-141016354-G-A.
Other names: c.*22G>A (NM_001243812.2); short protein forms R2308H.
Identifiers: ClinVar variation 1912393 (VCV001912393.4), dbSNP rs201927774, ClinGen allele CA5377835.

ClinVar aggregate classification (germline): Uncertain significance. Review status: criteria provided, multiple submitters, no conflicts (2 of 4 stars). 2 submissions from 2 submitters: Uncertain significance (2). Last evaluated 2023-07-25.

Allele frequency attached by ClinVar (database versions not stated): ExAC 0.00001; gnomAD 0.00001; TOPMed 0.00004.
gnomAD v4.1: 11 of 1,611,942 alleles (0.00068%); highest among the groups gnomAD compares: African/African-American, 0.0027%; no homozygotes.

Submissions (2):

Labcorp Genetics (formerly Invitae), Labcorp
Classification: Uncertain significance. Last evaluated: 2023-07-25. Review status: criteria provided, single submitter. Criteria: Invitae Variant Classification Sherloc (09022015). Collection method: clinical testing. Allele origin: germline.
Comment: Advanced modeling of protein sequence and biophysical properties (such as structural, functional, and spatial information, amino acid conservation, physicochemical variation, residue mobility, and thermodynamic stability) performed at Invitae indicates that this missense variant is not expected to disrupt CACNA1B protein function. ClinVar contains an entry for this variant (Variation ID: 1912393). This variant has not been reported in the literature in individuals affected with CACNA1B-related conditions. The frequency data for this variant in the population databases is considered unreliable, as metrics indicate poor data quality at this position in the gnomAD database. This sequence change replaces arginine, which is basic and polar, with histidine, which is basic and polar, at codon 2308 of the CACNA1B protein (p.Arg2308His). In summary, the available evidence is currently insufficient to determine the role of this variant in disease. Therefore, it has been classified as a Variant of Uncertain Significance.

Blueprint Genetics
Classification: Uncertain significance. Last evaluated: 2020-06-30. Review status: criteria provided, single submitter. Criteria: ACMG Guidelines, 2015. Collection method: clinical testing. Allele origin: germline.